The following is an entry in ClinVar:

NM_001205293.3(CACNA1E):c.2534T>C (p.Phe845Ser)

Gene: CACNA1E (calcium voltage-gated channel subunit alpha1 E; plus strand). Cytogenetic location: 1q25.3.
Variant type: single nucleotide variant.
Coding change: c.2534T>C on transcript NM_001205293.3 (MANE Select); coding-DNA position 2534, T replaced by C.
Protein change: p.Phe845Ser; replaces phenylalanine 845 with serine.
Molecular consequence: missense variant.
Genome position (GRCh38, 1-based): chr1:181,732,620, T>C. VCF-style: chr1-181732620-T-C. GRCh37 (hg19) VCF-style: chr1-181701756-T-C.
Other names: c.2534T>C, p.Phe845Ser (NM_000721.4); c.2477T>C, p.Phe826Ser (NM_001205294.2); short protein forms F845S, F826S.
Identifiers: ClinVar variation 3003508 (VCV003003508.3), dbSNP rs760837604, ClinGen allele CA1275350.

ClinVar aggregate classification (germline): Uncertain significance (1 of 4 stars; one submission).

Allele frequency attached by ClinVar (database versions not stated): gnomAD 0.00001; TOPMed 0.00001; gnomAD exomes 0.00002; ExAC 0.00008.
gnomAD v4.1: 11 of 1,487,496 alleles (0.00074%); highest among the groups gnomAD compares: Non-Finnish European, 0.00089%; no homozygotes.

Submission:

Labcorp Genetics (formerly Invitae), Labcorp
Classification: Uncertain significance. Last evaluated: 2023-05-30. Review status: criteria provided, single submitter. Criteria: Invitae Variant Classification Sherloc (09022015). Collection method: clinical testing. Allele origin: germline.
Comment: Advanced modeling of protein sequence and biophysical properties (such as structural, functional, and spatial information, amino acid conservation, physicochemical variation, residue mobility, and thermodynamic stability) performed at Invitae indicates that this missense variant is not expected to disrupt CACNA1E protein function. In summary, the available evidence is currently insufficient to determine the role of this variant in disease. Therefore, it has been classified as a Variant of Uncertain Significance. This variant has not been reported in the literature in individuals affected with CACNA1E-related conditions. This variant is present in population databases (rs760837604, gnomAD 0.002%). This sequence change replaces phenylalanine, which is neutral and non-polar, with serine, which is neutral and polar, at codon 845 of the CACNA1E protein (p.Phe845Ser).